The following is an entry in ClinVar:

NM_001270.4(CHD1):c.3508G>T (p.Glu1170Ter)

Gene: CHD1 (chromodomain helicase DNA binding protein 1; minus strand). Cytogenetic location: 5q15.
Variant type: single nucleotide variant.
Coding change: c.3508G>T on transcript NM_001270.4 (MANE Select); coding-DNA position 3508, G replaced by T.
Protein change: p.Glu1170Ter; replaces glutamic acid 1170 with a stop codon.
Molecular consequence: nonsense. On other transcripts: non-coding transcript variant (2).
Genome position (GRCh38, 1-based): chr5:98,873,656, C>A on the plus strand (G>T on the coding strand, the complement: CHD1 is on the minus strand). VCF-style: chr5-98873656-C-A. GRCh37 (hg19) VCF-style: chr5-98209360-C-A.
Other names: c.3508G>T, p.Glu1170Ter (NM_001364113.3, NM_001376194.2); short protein forms E1170*.
Identifiers: ClinVar variation 3774776 (VCV003774776.1).

ClinVar aggregate classification (germline): Uncertain significance (1 of 4 stars; one submission).

Submission:

GeneDx
Classification: Uncertain significance. Last evaluated: 2024-09-25. Review status: criteria provided, single submitter. Criteria: GeneDx Variant Classification Process June 2021. Collection method: clinical testing. Allele origin: germline. Affected: yes.
Comment: Not observed at significant frequency in large population cohorts (gnomAD); Nonsense variant predicted to result in protein truncation or nonsense mediated decay in a gene or region of a gene for which loss of function is not a well-established mechanism of disease; Has not been previously published as pathogenic or benign to our knowledge